The following is an entry in ClinVar:

ClinVar aggregate classification (germline): Pathogenic (1 of 4 stars; one submission).

Conditions:
Pontocerebellar hypoplasia type 1B. Also called: EXOSC3 Pontocerebellar Hypoplasia. Identifiers: Orphanet 2254, MedGen C3553449, MONDO:0013853, OMIM 614678.

Submission:

Labcorp Genetics (formerly Invitae), Labcorp
Classification: Pathogenic for Pontocerebellar hypoplasia type 1B. Last evaluated: 2023-04-13. Review status: criteria provided, single submitter. Criteria: Invitae Variant Classification Sherloc (09022015). Collection method: clinical testing. Allele origin: germline.
Comment: For these reasons, this variant has been classified as Pathogenic. This variant has not been reported in the literature in individuals affected with EXOSC3-related conditions. This variant is not present in population databases (gnomAD no frequency). This sequence change creates a premature translational stop signal (p.Arg58Serfs*52) in the EXOSC3 gene. It is expected to result in an absent or disrupted protein product. Loss-of-function variants in EXOSC3 are known to be pathogenic (PMID: 22544365, 23284067, 24524299).

Literature cited by the submitters: PubMed 22544365; PubMed 23284067; PubMed 24524299.

NM_016042.4(EXOSC3):c.174_183del (p.Arg58fs)

Gene: EXOSC3 (exosome component 3; minus strand). Cytogenetic location: 9p13.2.
Variant type: Deletion.
Coding change: c.174_183del on transcript NM_016042.4 (MANE Select); coding-DNA positions 174 to 183, 10 bases deleted (AGCGTGCTCG; older notation c.174_183delAGCGTGCTCG).
Protein change: p.Arg58fs; shifts the reading frame from arginine 58.
Molecular consequence: frameshift variant.
Genome position (GRCh38, 1-based): chr9:37,784,862-37,784,871, CGAGCACGCT deleted on the plus strand (AGCGTGCTCG on the coding strand, the reverse complement: EXOSC3 is on the minus strand); deleting any 10 consecutive bases within chr9:37,784,862-37,784,872 gives the same sequence; the c. name uses the placement nearest the transcript's 3' end. VCF-style (leftmost placement, unchanged base first): chr9-37784861-GCGAGCACGCT-G. GRCh37 (hg19) VCF-style: chr9-37784858-GCGAGCACGCT-G.
Other names: c.174_183del, p.Arg58fs (NM_001002269.2); short protein forms R58fs.
Identifiers: ClinVar variation 2855937 (VCV002855937.3), dbSNP rs2489891724, ClinGen allele CA2739269254.